The following is an entry in ClinVar:

ClinVar aggregate classification (germline): Conflicting classifications of pathogenicity. Review status: criteria provided, conflicting classifications (1 of 4 stars). 2 submissions from 2 submitters: Uncertain significance (1); Likely benign (1). Last evaluated 2023-12-08.

Conditions:
Hereditary cancer-predisposing syndrome. Also called: Neoplastic Syndromes, Hereditary; Hereditary neoplastic syndrome; Tumor predisposition; Hereditary Cancer Syndrome. Identifiers: Orphanet 140162, MedGen C0027672, MeSH D009386, MONDO:0015356.
Microcephaly, normal intelligence and immunodeficiency (NBS). Also called: Immunodeficiency, microcephaly with normal intelligence; Ataxia telangiectasia variant V1; IMMUNODEFICIENCY, MICROCEPHALY, AND CHROMOSOMAL INSTABILITY; BERLIN BREAKAGE SYNDROME; SEEMANOVA SYNDROME II; Nijmegen breakage syndrome. Identifiers: Orphanet 647, MedGen C0398791, MONDO:0009623, OMIM 251260.

Allele frequency attached by ClinVar (database versions not stated): gnomAD exomes below 0.00001.
gnomAD v4.1: 2 of 1,613,306 alleles (0.00012%); highest among the groups gnomAD compares: Non-Finnish European, 0.00017%; no homozygotes.

Submissions (2):

Ambry Genetics
Classification: Likely benign for Hereditary cancer-predisposing syndrome. Last evaluated: 2023-12-08. Review status: criteria provided, single submitter. Criteria: Ambry Variant Classification Scheme 2023. Collection method: clinical testing. Allele origin: germline.

Labcorp Genetics (formerly Invitae), Labcorp
Classification: Uncertain significance for Microcephaly, normal intelligence and immunodeficiency. Last evaluated: 2017-10-16. Review status: criteria provided, single submitter. Criteria: Invitae Variant Classification Sherloc (09022015). Collection method: clinical testing. Allele origin: germline.
Comment: In summary, the available evidence is currently insufficient to determine the role of this variant in disease. Therefore, it has been classified as a Variant of Uncertain Significance. Algorithms developed to predict the effect of missense changes on protein structure and function output the following: SIFT: "Tolerated"; PolyPhen-2: "Benign"; Align-GVGD: "Class C0". The serine amino acid residue is found in multiple mammalian species, suggesting that this missense change does not adversely affect protein function. These predictions have not been confirmed by published functional studies and their clinical significance is uncertain. This variant has not been reported in the literature in individuals with NBN-related disease. This variant is not present in population databases (ExAC no frequency). This sequence change replaces proline with serine at codon 495 of the NBN protein (p.Pro495Ser). The proline residue is weakly conserved and there is a moderate physicochemical difference between proline and serine.

NM_002485.5(NBN):c.1483C>T (p.Pro495Ser)

Gene: NBN (nibrin; minus strand). Cytogenetic location: 8q21.3.
Variant type: single nucleotide variant.
Coding change: c.1483C>T on transcript NM_002485.5 (MANE Select); coding-DNA position 1483, C replaced by T.
Protein change: p.Pro495Ser; replaces proline 495 with serine.
Molecular consequence: missense variant.
Genome position (GRCh38, 1-based): chr8:89,953,606, G>A on the plus strand (C>T on the coding strand, the complement: NBN is on the minus strand). VCF-style: chr8-89953606-G-A. GRCh37 (hg19) VCF-style: chr8-90965834-G-A.
Other names: c.1237C>T, p.Pro413Ser (NM_001024688.3); short protein forms P495S, P413S.
Identifiers: ClinVar variation 530739 (VCV000530739.9), dbSNP rs747027298, ClinGen allele CA371655760.